The following is an entry in ClinVar:

ClinVar aggregate classification (germline): Pathogenic (1 of 4 stars; one submission).

Conditions:
Hydrocephalus, nonsyndromic, autosomal recessive 1 (HYC1). Also called: Hydrocephalus, nonsyndromic, autosomal recessive; Congenital hydrocephalus 1. Identifiers: Orphanet 2185, MedGen C3887608, MONDO:0009360, OMIM 236600.

Submission:

Myriad Genetics, Inc.
Classification: Pathogenic for Hydrocephalus, nonsyndromic, autosomal recessive 1. Last evaluated: 2026-05-13. Review status: criteria provided, single submitter. Criteria: Myriad Autosomal Dominant, Autosomal Recessive and X-Linked Classification Criteria (2023). Collection method: clinical testing. Allele origin: unknown.
Comment: NM_001080414.3(CCDC88C):c.821_822delCA(T274Rfs*9) is expected to be pathogenic in the context of congenital hydrocephalus, CCDC88C-related. This variant is predicted to lead to an abnormal or absent protein product due to the creation of a premature termination codon in CCDC88C, a gene where loss-of-function variants are known to be pathogenic. Please note: this variant was assessed in the context of healthy population screening.

NM_001080414.4(CCDC88C):c.821_822del (p.Thr274fs)

Gene: CCDC88C (coiled-coil and HOOK domain protein 88C; minus strand). Cytogenetic location: 14q32.11.
Variant type: Deletion.
Coding change: c.821_822del on transcript NM_001080414.4 (MANE Select); coding-DNA positions 821 to 822, 2 bases deleted (CA; older notation c.821_822delCA).
Protein change: p.Thr274fs; shifts the reading frame from threonine 274.
Molecular consequence: frameshift variant. On other transcripts: non-coding transcript variant (2).
Genome position (GRCh38, 1-based): chr14:91,338,558-91,338,559, TG deleted on the plus strand (CA on the coding strand, the reverse complement: CCDC88C is on the minus strand); deleting any 2 consecutive bases within chr14:91,338,558-91,338,560 gives the same sequence; the c. name uses the placement nearest the transcript's 3' end. VCF-style (leftmost placement, unchanged base first): chr14-91338557-CTG-C. GRCh37 (hg19) VCF-style: chr14-91804901-CTG-C.
Other names: short protein forms T274fs.
Identifiers: ClinVar variation 5015907 (VCV005015907.1).
Genomic context (GRCh38, chr14:91,338,557, plus strand): 5'-TAACTTTCTGCAGTTCCAGCACCAGCTGGTCCACCTCATGTCTGGTGTCCACAAGCTGCT[CTG>C]TCTTATCCTCCCTGCAGAGGCAGTAAGGAGAAAGAGTGTGGGAGGCAGCTTCCTCAACAA-3'